The following is an entry in ClinVar:

NM_001206927.2(DNAH8):c.6655G>A (p.Val2219Ile)

Gene: DNAH8 (dynein axonemal heavy chain 8; plus strand). Cytogenetic location: 6p21.2.
Variant type: single nucleotide variant.
Coding change: c.6655G>A on transcript NM_001206927.2 (MANE Select); coding-DNA position 6655, G replaced by A.
Protein change: p.Val2219Ile; replaces valine 2219 with isoleucine.
Molecular consequence: missense variant.
Genome position (GRCh38, 1-based): chr6:38,866,838, G>A. VCF-style: chr6-38866838-G-A. GRCh37 (hg19) VCF-style: chr6-38834614-G-A.
Other names: c.6004G>A, p.Val2002Ile (NM_001371.4); short protein forms V2219I, V2002I.
Identifiers: ClinVar variation 2724390 (VCV002724390.1), dbSNP rs368252927, ClinGen allele CA3789723.

ClinVar aggregate classification (germline): Uncertain significance (1 of 4 stars; one submission).

Conditions:
Primary ciliary dyskinesia. Also called: Ciliary dyskinesia. Identifiers: Orphanet 244, MedGen C0008780, MONDO:0016575, HP:0012265.

Allele frequency attached by ClinVar (database versions not stated): gnomAD 0.00001; TOPMed 0.00001; ExAC 0.00002; ESP Exome Variant Server 0.00008.
gnomAD v4.1: 22 of 1,612,644 alleles (0.0014%); highest among the groups gnomAD compares: Non-Finnish European, 0.0018%; no homozygotes.

Submission:

Labcorp Genetics (formerly Invitae), Labcorp
Classification: Uncertain significance for Primary ciliary dyskinesia. Last evaluated: 2023-11-24. Review status: criteria provided, single submitter. Criteria: Invitae Variant Classification Sherloc (09022015). Collection method: clinical testing. Allele origin: germline.
Comment: This sequence change replaces valine, which is neutral and non-polar, with isoleucine, which is neutral and non-polar, at codon 2219 of the DNAH8 protein (p.Val2219Ile). This variant is present in population databases (rs368252927, gnomAD 0.003%). This variant has not been reported in the literature in individuals affected with DNAH8-related conditions. Advanced modeling of protein sequence and biophysical properties (such as structural, functional, and spatial information, amino acid conservation, physicochemical variation, residue mobility, and thermodynamic stability) performed at Invitae indicates that this missense variant is not expected to disrupt DNAH8 protein function with a negative predictive value of 80%. In summary, the available evidence is currently insufficient to determine the role of this variant in disease. Therefore, it has been classified as a Variant of Uncertain Significance.